The following is an entry in ClinVar:

NM_020070.4(IGLL1):c.35C>A (p.Ala12Asp)

Gene: IGLL1 (immunoglobulin lambda like polypeptide 1; minus strand). Cytogenetic location: 22q11.23.
Variant type: single nucleotide variant.
Coding change: c.35C>A on transcript NM_020070.4 (MANE Select); coding-DNA position 35, C replaced by A.
Protein change: p.Ala12Asp; replaces alanine 12 with aspartic acid.
Molecular consequence: missense variant.
Genome position (GRCh38, 1-based): chr22:23,580,156, G>T on the plus strand (C>A on the coding strand, the complement: IGLL1 is on the minus strand). VCF-style: chr22-23580156-G-T. GRCh37 (hg19) VCF-style: chr22-23922343-G-T.
Other names: c.35C>A, p.Ala12Asp (NM_001369906.1, NM_152855.3); short protein forms A12D.
Identifiers: ClinVar variation 2792415 (VCV002792415.3), dbSNP rs775788164, ClinGen allele CA410899618.

ClinVar aggregate classification (germline): Uncertain significance (1 of 4 stars; one submission).

Conditions:
Agammaglobulinemia 2, autosomal recessive (AGM2). Also called: AGAMMAGLOBULINEMIA, AUTOSOMAL RECESSIVE, DUE TO IGLL1 DEFECT. Identifiers: MedGen C3150750, MONDO:0013287, OMIM 613500.

gnomAD v4.1: 1 of 1,549,052 alleles (0.000065%); highest among the groups gnomAD compares: Admixed American, 0.0019%; no homozygotes.

Submission:

Labcorp Genetics (formerly Invitae), Labcorp
Classification: Uncertain significance for Agammaglobulinemia 2, autosomal recessive. Last evaluated: 2025-04-14. Review status: criteria provided, single submitter. Criteria: Invitae Variant Classification Sherloc (09022015). Collection method: clinical testing. Allele origin: germline.
Comment: This sequence change replaces alanine, which is neutral and non-polar, with aspartic acid, which is acidic and polar, at codon 12 of the IGLL1 protein (p.Ala12Asp). The frequency data for this variant in the population databases is considered unreliable, as metrics indicate poor data quality at this position in the gnomAD database. This variant has not been reported in the literature in individuals affected with IGLL1-related conditions. ClinVar contains an entry for this variant (Variation ID: 2792415). An algorithm developed to predict the effect of missense changes on protein structure and function (PolyPhen-2) suggests that this variant is likely to be tolerated. In summary, the available evidence is currently insufficient to determine the role of this variant in disease. Therefore, it has been classified as a Variant of Uncertain Significance.